The following is an entry in ClinVar:

NM_000455.5(STK11):c.933_936del (p.Lys311fs)

Gene: STK11 (serine/threonine kinase 11; plus strand). Cytogenetic location: 19p13.3.
Variant type: Deletion.
Coding change: c.933_936del on transcript NM_000455.5 (MANE Select); coding-DNA positions 933 to 936, 4 bases deleted (GAAA; older notation c.933_936delGAAA).
Protein change: p.Lys311fs; shifts the reading frame from lysine 311.
Molecular consequence: frameshift variant. On other transcripts: non-coding transcript variant (1).
Genome position (GRCh38, 1-based): chr19:1,222,997-1,223,000, GAAA deleted; deleting any 4 consecutive bases within chr19:1,222,995-1,223,000 gives the same sequence; the c. name uses the placement nearest the transcript's 3' end. VCF-style (leftmost placement, unchanged base first): chr19-1222994-GAAGA-G. GRCh37 (hg19) VCF-style: chr19-1222993-GAAGA-G.
Other names: c.933_936del, p.Lys311fs (NM_001407255.1); short protein forms K311fs.
Identifiers: ClinVar variation 3450571 (VCV003450571.1).

ClinVar aggregate classification (germline): Pathogenic (1 of 4 stars; one submission).

Conditions:
Hereditary cancer-predisposing syndrome. Also called: Tumor predisposition; Neoplastic Syndromes, Hereditary; Hereditary neoplastic syndrome; Hereditary Cancer Syndrome. Identifiers: Orphanet 140162, MedGen C0027672, MeSH D009386, MONDO:0015356.

Submission:

Ambry Genetics
Classification: Pathogenic for Hereditary cancer-predisposing syndrome. Last evaluated: 2024-08-29. Review status: criteria provided, single submitter. Criteria: Ambry Variant Classification Scheme 2023. Collection method: clinical testing. Allele origin: germline.
Comment: The c.933_936delGAAA pathogenic mutation, located in coding exon 8 of the STK11 gene, results from a deletion of 4 nucleotides at nucleotide positions 933 to 936, causing a translational frameshift with a predicted alternate stop codon (p.K311Nfs*24). This variant has been observed in at least one individual with a personal and/or family history that is consistent with Peutz-Jeghers syndrome (Ambry internal data). This variant is considered to be rare based on population cohorts in the Genome Aggregation Database (gnomAD). This alteration is expected to result in loss of function by premature protein truncation or nonsense-mediated mRNA decay. As such, this alteration is interpreted as a disease-causing mutation.